The following is an entry in ClinVar:

NM_004859.4(CLTC):c.47A>G (p.Gln16Arg)

Gene: CLTC (clathrin heavy chain; plus strand). Cytogenetic location: 17q23.1.
Variant type: single nucleotide variant.
Coding change: c.47A>G on transcript NM_004859.4 (MANE Select); coding-DNA position 47, A replaced by G.
Protein change: p.Gln16Arg; replaces glutamine 16 with arginine.
Molecular consequence: missense variant.
Genome position (GRCh38, 1-based): chr17:59,644,280, A>G. VCF-style: chr17-59644280-A-G. GRCh37 (hg19) VCF-style: chr17-57721641-A-G.
Other names: c.47A>G, p.Gln16Arg (NM_001288653.2); short protein forms Q16R.
Identifiers: ClinVar variation 4681046 (VCV004681046.1).

ClinVar aggregate classification (germline): Uncertain significance (1 of 4 stars; one submission).

gnomAD v4.1: 1 of 1,613,346 alleles (0.000062%); highest among the groups gnomAD compares: Non-Finnish European, 0.000085%; no homozygotes.

Submission:

GeneDx
Classification: Uncertain significance. Last evaluated: 2025-07-05. Review status: criteria provided, single submitter. Criteria: GeneDx Variant Classification Process June 2021. Collection method: clinical testing. Allele origin: germline. Affected: yes.
Comment: Not observed at significant frequency in large population cohorts (gnomAD); In silico analysis suggests that this missense variant does not alter protein structure/function; Has not been previously published as pathogenic or benign to our knowledge